The following is an entry in ClinVar:

ClinVar aggregate classification (germline): Conflicting classifications of pathogenicity. Review status: criteria provided, conflicting classifications (1 of 4 stars). 2 submissions from 2 submitters: Likely pathogenic (1); Uncertain significance (1). Last evaluated 2024-01-04.

Conditions:
X-linked recessive nephrolithiasis with renal failure (XRN). Also called: NEPHROLITHIASIS 1; NEPHROLITHIASIS, X-LINKED RECESSIVE, TYPE 1; UROLITHIASIS, X-LINKED RECESSIVE, TYPE 1. Identifiers: Orphanet 1652, Orphanet 93622, MedGen C0403720, MONDO:0010687, OMIM 310468.
Dent disease type 1 (DENT1). Also called: NEPHROLITHIASIS 2; NEPHROLITHIASIS, HYPERCALCIURIC, X-LINKED. Identifiers: Orphanet 1652, Orphanet 93622, MedGen C1848336, MONDO:0010225, OMIM 300009.
Hypophosphatemic rickets, X-linked recessive (XLHRR). Identifiers: Orphanet 1652, Orphanet 93622, MedGen C1845168, MONDO:0010358, OMIM 300554.
Proteinuria, low molecular weight, with hypercalciuria and nephrocalcinosis. Identifiers: Orphanet 1652, Orphanet 93622, MedGen C1839874, MONDO:0010644, OMIM 308990.

Submissions (2):

Fulgent Genetics
Classification: Likely pathogenic for Dent disease type 1; Hypophosphatemic rickets, X-linked recessive; Proteinuria, low molecular weight, with hypercalciuria and nephrocalcinosis; X-linked recessive nephrolithiasis with renal failure. Last evaluated: 2024-01-04. Review status: criteria provided, single submitter. Criteria: ACMG Guidelines, 2015. Collection method: clinical testing. Allele origin: germline.

Labcorp Genetics (formerly Invitae), Labcorp
Classification: Uncertain significance. Last evaluated: 2023-08-11. Review status: criteria provided, single submitter. Criteria: Invitae Variant Classification Sherloc (09022015). Collection method: clinical testing. Allele origin: germline.
Comment: In summary, the available evidence is currently insufficient to determine the role of this variant in disease. Therefore, it has been classified as a Variant of Uncertain Significance. This variant disrupts the p.Gly513 amino acid residue in CLCN5. Other variant(s) that disrupt this residue have been observed in individuals with CLCN5-related conditions (PMID: 9328929, 15086899), which suggests that this may be a clinically significant amino acid residue. Experimental studies have shown that this missense change affects CLCN5 function (PMID: 19019917). An algorithm developed to predict the effect of missense changes on protein structure and function (PolyPhen-2) suggests that this variant is likely to be disruptive. This missense change has been observed in individual(s) with Dent disease (PMID: 9328929; Invitae). This variant is not present in population databases (gnomAD no frequency). This sequence change replaces glycine, which is neutral and non-polar, with glutamic acid, which is acidic and polar, at codon 513 of the CLCN5 protein (p.Gly513Glu).

Literature cited by the submitters: PubMed 9328929 (cited by Labcorp Genetics (formerly Invitae), Labcorp); PubMed 15086899 (cited by Labcorp Genetics (formerly Invitae), Labcorp); PubMed 19019917 (cited by Labcorp Genetics (formerly Invitae), Labcorp).

NM_001127898.4(CLCN5):c.1748G>A (p.Gly583Glu)

Genes: CLCN5 (Cl-/H+ antiporter 5; plus strand), LOC126863258 (BRD4-independent group 4 enhancer GRCh37_chrX:49854497-49855696; plus strand). Cytogenetic location: Xp11.23.
Variant type: single nucleotide variant.
Coding change: c.1748G>A on transcript NM_001127898.4 (MANE Select); coding-DNA position 1748, G replaced by A.
Protein change: p.Gly583Glu; replaces glycine 583 with glutamic acid.
Molecular consequence: missense variant.
Genome position (GRCh38, 1-based): chrX:50,090,119, G>A. VCF-style: chrX-50090119-G-A. GRCh37 (hg19) VCF-style: chrX-49854776-G-A.
Other names: c.1538G>A, p.Gly513Glu (NM_000084.5); c.1748G>A, p.Gly583Glu (NM_001127899.4); c.1598G>A, p.Gly533Glu (NM_001282163.2); short protein forms G583E, G513E, G533E.
Identifiers: ClinVar variation 2737229 (VCV002737229.4), dbSNP rs2147605140, ClinGen allele CA413188670.